The following is an entry in ClinVar:

NM_177438.3(DICER1):c.584A>G (p.Asn195Ser)

Gene: DICER1 (dicer 1, ribonuclease III; minus strand). Cytogenetic location: 14q32.13.
Variant type: single nucleotide variant.
Coding change: c.584A>G on transcript NM_177438.3 (MANE Select); coding-DNA position 584, A replaced by G.
Protein change: p.Asn195Ser; replaces asparagine 195 with serine.
Molecular consequence: missense variant. On other transcripts: 5 prime UTR variant (1), non-coding transcript variant (6).
Genome position (GRCh38, 1-based): chr14:95,129,622, T>C on the plus strand (A>G on the coding strand, the complement: DICER1 is on the minus strand). VCF-style: chr14-95129622-T-C. GRCh37 (hg19) VCF-style: chr14-95595959-T-C.
Other names: c.584A>G, p.Asn195Ser (NM_001395684.1, NM_001395680.1, NM_001395681.1 and 15 more transcripts); c.302A>G, p.Asn101Ser (NM_001395686.1); c.179A>G, p.Asn60Ser (NM_001395687.1, NM_001395688.1, NM_001395689.1 and 3 more transcripts); c.17A>G, p.Asn6Ser (NM_001395691.1); c.-985A>G (NM_001395697.1); short protein forms N6S, N195S, N101S, N60S.
Identifiers: ClinVar variation 1750053 (VCV001750053.6), dbSNP rs2543285003, ClinGen allele CA390888287.

ClinVar aggregate classification (germline): Conflicting classifications of pathogenicity. Review status: criteria provided, conflicting classifications (1 of 4 stars). 2 submissions from 2 submitters: Uncertain significance (1); Likely benign (1). Last evaluated 2025-11-09.

Conditions:
Hereditary cancer-predisposing syndrome. Also called: Neoplastic Syndromes, Hereditary; Tumor predisposition; Hereditary neoplastic syndrome; Hereditary Cancer Syndrome. Identifiers: Orphanet 140162, MedGen C0027672, MeSH D009386, MONDO:0015356.
DICER1-related tumor predisposition. Also called: DICER1 syndrome; DICER1-related pleuropulmonary blastoma cancer predisposition syndrome. Identifiers: Orphanet 284343, MedGen C3839822, MONDO:0100216.

Submissions (2):

Labcorp Genetics (formerly Invitae), Labcorp
Classification: Uncertain significance for DICER1-related tumor predisposition. Last evaluated: 2025-11-09. Review status: criteria provided, single submitter. Criteria: Invitae Variant Classification Sherloc (09022015). Collection method: clinical testing. Allele origin: germline.
Comment: This sequence change replaces asparagine, which is neutral and polar, with serine, which is neutral and polar, at codon 195 of the DICER1 protein (p.Asn195Ser). This variant is not present in population databases (gnomAD no frequency). This variant has not been reported in the literature in individuals affected with DICER1-related conditions. ClinVar contains an entry for this variant (Variation ID: 1750053). Invitae Evidence Modeling of protein sequence and biophysical properties (such as structural, functional, and spatial information, amino acid conservation, physicochemical variation, residue mobility, and thermodynamic stability) indicates that this missense variant is not expected to disrupt DICER1 protein function with a negative predictive value of 95%. In summary, the available evidence is currently insufficient to determine the role of this variant in disease. Therefore, it has been classified as a Variant of Uncertain Significance.

Ambry Genetics
Classification: Likely benign for Hereditary cancer-predisposing syndrome. Last evaluated: 2025-10-09. Review status: criteria provided, single submitter. Criteria: Ambry Variant Classification Scheme 2023. Collection method: clinical testing. Allele origin: germline.